The following is an entry in ClinVar:

NM_020297.4(ABCC9):c.2867-9dup

Gene: ABCC9 (ATP binding cassette subfamily C member 9; minus strand). Cytogenetic location: 12p12.1.
Variant type: Duplication.
Coding change: c.2867-9dup on transcript NM_020297.4 (MANE Select); 9 bases into the intron before coding-DNA position 2867, one base duplicated (T; older notation c.2867-9dupT).
Molecular consequence: intron variant.
Genome position (GRCh38, 1-based): chr12:21,845,841, A duplicated on the plus strand (T on the coding strand, the reverse complement: ABCC9 is on the minus strand); the first of 6 consecutive A bases (chr12:21,845,841-21,845,846); duplicating any one gives the same sequence. VCF-style (leftmost placement, unchanged base first): chr12-21845840-C-CA. GRCh37 (hg19) VCF-style: chr12-21998774-C-CA.
Other names: c.2000-9dup (NM_001377274.1); c.2867-9dup (NM_005691.4, NM_001377273.1).
Identifiers: ClinVar variation 3036905 (VCV003036905.2), dbSNP rs749107379, ClinGen allele CA6481246.

ClinVar aggregate classification (germline): Likely benign (0 of 4 stars; one submission).

Conditions:
ABCC9-related disorder. Also called: ABCC9-related condition; ABCC9-related disorders.

Submission:

PreventionGenetics, part of Exact Sciences
Classification: Likely benign for ABCC9-related condition. Last evaluated: 2020-01-08. Review status: no assertion criteria provided. Collection method: clinical testing. Allele origin: germline.
Comment: This variant is classified as likely benign based on ACMG/AMP sequence variant interpretation guidelines (Richards et al. 2015 PMID: 25741868, with internal and published modifications).